The following is an entry in ClinVar:

NM_153240.5(NPHP3):c.3838G>A (p.Ala1280Thr)

Genes: NPHP3 (nephrocystin 3; minus strand), NPHP3-ACAD11 (NPHP3-ACAD11 readthrough (NMD candidate); minus strand). Cytogenetic location: 3q22.1.
Variant type: single nucleotide variant.
Coding change: c.3838G>A on transcript NM_153240.5 (MANE Select); coding-DNA position 3838, G replaced by A.
Protein change: p.Ala1280Thr; replaces alanine 1280 with threonine.
Molecular consequence: missense variant. On other transcripts: non-coding transcript variant (1).
Genome position (GRCh38, 1-based): chr3:132,682,065, C>T on the plus strand (G>A on the coding strand, the complement: NPHP3 is on the minus strand). VCF-style: chr3-132682065-C-T. GRCh37 (hg19) VCF-style: chr3-132400909-C-T.
Other names: short protein forms A1280T.
Identifiers: ClinVar variation 1925405 (VCV001925405.5), dbSNP rs2530372321, ClinGen allele CA354578101.
Genomic context (GRCh38, chr3:132,682,065, plus strand): 5'-CACCCAAGAGTGATGTTTCTGCTTCTTTTATTTCCATTGCCCTTTTGTATAATTCAGCAG[C>T]TTTTTCAAAATCTCCTCCTTCATAGCTTTGAGAGAGAAAACAAAAACTCTTAAAATGAGA-3'
Protein context (NP_694972.3, residues 1270-1290): LSYEGGDFEK[Ala1280Thr]AELYKRAMEI

ClinVar aggregate classification (germline): Uncertain significance (1 of 4 stars; one submission).

Conditions:
Nephronophthisis. Also called: Juvenile Nephronophthisis. Identifiers: Orphanet 655, MedGen C0687120, MONDO:0019005, HP:0000090.

Submission:

Labcorp Genetics (formerly Invitae), Labcorp
Classification: Uncertain significance for Nephronophthisis. Last evaluated: 2022-03-09. Review status: criteria provided, single submitter. Criteria: Invitae Variant Classification Sherloc (09022015). Collection method: clinical testing. Allele origin: germline.
Comment: In summary, the available evidence is currently insufficient to determine the role of this variant in disease. Therefore, it has been classified as a Variant of Uncertain Significance. Algorithms developed to predict the effect of missense changes on protein structure and function (SIFT, PolyPhen-2, Align-GVGD) all suggest that this variant is likely to be disruptive. This variant has not been reported in the literature in individuals affected with NPHP3-related conditions. This variant is not present in population databases (gnomAD no frequency). This sequence change replaces alanine, which is neutral and non-polar, with threonine, which is neutral and polar, at codon 1280 of the NPHP3 protein (p.Ala1280Thr).